The following is an entry in ClinVar:

NM_004004.6(GJB2):c.35G>T (p.Gly12Val)

Gene: GJB2 (gap junction protein beta 2; minus strand). Cytogenetic location: 13q12.11.
Variant type: single nucleotide variant.
Coding change: c.35G>T on transcript NM_004004.6 (MANE Select); coding-DNA position 35, G replaced by T.
Protein change: p.Gly12Val; replaces glycine 12 with valine.
Molecular consequence: missense variant.
Genome position (GRCh38, 1-based): chr13:20,189,547, C>A on the plus strand (G>T on the coding strand, the complement: GJB2 is on the minus strand). VCF-style: chr13-20189547-C-A. GRCh37 (hg19) VCF-style: chr13-20763686-C-A.
Other names: short protein forms G12V.
Identifiers: ClinVar variation 21387 (VCV000021387.51), dbSNP rs1801002, ClinGen allele CA172228.

ClinVar aggregate classification (germline): Pathogenic/Likely pathogenic. Review status: criteria provided, multiple submitters, no conflicts (2 of 4 stars). 23 submissions from 22 submitters: Pathogenic (17); Likely pathogenic (2). 4 of the submissions do not count toward it. Last evaluated 2025-11-08.

Conditions:
GJB2-related disorder. Also called: GJB2-related condition; GJB2-related disorders. Identifiers: MedGen CN382183, MONDO:1060236.
Rare genetic deafness. Identifiers: Orphanet 96210, MedGen C5680250.
Palmoplantar keratoderma-deafness syndrome. Also called: Keratoderma palmoplantar, with deafness; Palmoplantar keratoderma and sensorineural deafness; Hereditary palmoplantar keratoderma with deafness (subtype); Focal palmoplantar keratoderma with sensorineural deafness (subtype); Diffuse palmoplantar keratoderma with deafness (subtype). Identifiers: Orphanet 2202, MedGen C1835672, MONDO:0007852, OMIM 148350.
Knuckle pads, deafness AND leukonychia syndrome. Also called: Bart-Pumphrey syndrome. Identifiers: Orphanet 2698, MedGen C0266004, MONDO:0007866, OMIM 149200.
Mutilating keratoderma (VOWNKL). Also called: Keratoderma hereditarium mutilans. Identifiers: Orphanet 494, MedGen C0265964, MONDO:0007422, OMIM 124500.
Autosomal recessive nonsyndromic hearing loss 1A (DFNB1A). Also called: Deafness, autosomal recessive 1A; GJB2-Related Autosomal Recessive Nonsyndromic Hearing Loss; Connexin 26 deafness; Deafness nonsyndromic, Connexin 26 linked; Nonsyndromic Hearing Loss and Deafness, DFNB1; GJB6-Related DFNB 1 Nonsyndromic Hearing Loss and Deafness. Identifiers: Orphanet 90636, MedGen C2673759, MONDO:0009076, OMIM 220290.
Autosomal dominant keratitis-ichthyosis-hearing loss syndrome. Also called: HID SYNDROME; KID SYNDROME, AUTOSOMAL DOMINANT; Senter syndrome. Identifiers: Orphanet 477, MedGen C0265336, MONDO:0007850, OMIM 148210.
Autosomal dominant nonsyndromic hearing loss 3A. Identifiers: Orphanet 90635, MedGen C2675750, MONDO:0011103, OMIM 601544.
Ichthyosis, hystrix-like, with hearing loss. Also called: Hystrix-like ichthyosis with deafness. Identifiers: Orphanet 477, MedGen C1865234, MONDO:0011245.
Nonsyndromic genetic hearing loss. Also called: Nonsyndromic hearing loss and deafness; Non-syndromic genetic deafness; Nonsyndromic genetic deafness. Identifiers: Orphanet 87884, MedGen C5680182, MONDO:0019497.
Hearing impairment. Also called: Impaired Hearing. Identifiers: MedGen C1384666, MONDO:0005365, HP:0000365.

Allele frequency attached by ClinVar (database versions not stated): TOPMed 0.00006.

Submissions 1 to 9 of 23:

Labcorp Genetics (formerly Invitae), Labcorp
Classification: Pathogenic. Last evaluated: 2025-11-08. Review status: criteria provided, single submitter. Criteria: Invitae Variant Classification Sherloc (09022015). Collection method: clinical testing. Allele origin: germline.
Comment: This sequence change replaces glycine, which is neutral and non-polar, with valine, which is neutral and non-polar, at codon 12 of the GJB2 protein (p.Gly12Val). This variant is present in population databases (rs1801002, gnomAD 0.06%). This missense change has been observed in individuals with autosomal recessive non-syndromic deafness (PMID: 10982180, 19371219, 24158611, 25288386). ClinVar contains an entry for this variant (Variation ID: 21387). Invitae Evidence Modeling of protein sequence and biophysical properties (such as structural, functional, and spatial information, amino acid conservation, physicochemical variation, residue mobility, and thermodynamic stability) indicates that this missense variant is expected to disrupt GJB2 protein function with a positive predictive value of 95%. Experimental studies have shown that this missense change affects GJB2 function (PMID: 11032405, 12176036, 25625422). For these reasons, this variant has been classified as Pathogenic.

Natera, Inc.
Classification: Pathogenic for Autosomal recessive deafness type 1A. Last evaluated: 2025-11-05. Review status: criteria provided, single submitter. Criteria: Natera Variant Classification Schema (03/2026). Collection method: clinical testing. Allele origin: germline.
Comment: The c.35G>T variant in GJB2 is a missense variant predicted to cause substitution of glycine to valine at amino acid 12. This variant is rare in the general population with a frequency below the threshold expected for the associated phenotype(s). This variant has been observed in one or more individuals affected with the associated recessive disease, as either homozygous or compound heterozygous with a second variant (PMID: 31370293). Computational prediction algorithms indicate this variant is likely to affect gene or protein function. Given the available evidence, this variant is classified as Pathogenic.

Revvity Omics, Revvity
Classification: Pathogenic. Last evaluated: 2025-07-31. Review status: criteria provided, single submitter. Criteria: ACMG Guidelines, 2015. Collection method: clinical testing. Allele origin: germline.

Variantyx, Inc.
Classification: Likely pathogenic for Autosomal recessive nonsyndromic hearing loss 1A. Last evaluated: 2025-06-11. Review status: criteria provided, single submitter. Criteria: Variantyx Assertion Criteria 2022. Collection method: clinical testing. Allele origin: germline. Inheritance: Autosomal recessive inheritance. Affected: yes.
Comment: This is a nonsynonymous variant in the GJB2 gene (OMIM: 121011). Pathogenic variants in this gene have been associated with autosomal recessive hearing loss 1A. This variant has been identified in the homozygous or compound heterozygous state in at least 5 individuals reported in the published literature (PMID: 31370293) (PM3_Strong). Functional studies have shown that this variant alters GJB2 protein function (PMID: 11032405, 12176036, 25625422) (PS3_Moderate), and mltiple computational algorithms predict a deleterious effect for this variant (REVEL score: 0.952) (PP3). This variant has a 0.0589% maximum allele frequency in non-founder control populations. Based on the current evidence, this variant is classified as likely pathogenic for autosomal recessive hearing loss 1A.

Fulgent Genetics
Classification: Pathogenic for Mutilating keratoderma; Autosomal dominant keratitis-ichthyosis-hearing loss syndrome; Palmoplantar keratoderma-deafness syndrome; Knuckle pads, deafness AND leukonychia syndrome; Autosomal recessive nonsyndromic hearing loss 1A; Autosomal dominant nonsyndromic hearing loss 3A. Last evaluated: 2024-04-06. Review status: criteria provided, single submitter. Criteria: ACMG Guidelines, 2015. Collection method: clinical testing. Allele origin: germline.

Laboratory of Medical Genetics, National & Kapodistrian University of Athens
Classification: Pathogenic for Autosomal recessive nonsyndromic hearing loss 1A. Last evaluated: 2024-02-01. Review status: criteria provided, single submitter. Criteria: ACMG Guidelines, 2015. Collection method: curation. Allele origin: germline. Affected: no.

Department of Pathology and Laboratory Medicine, Sinai Health System
Classification: Pathogenic for Knuckle pads, deafness AND leukonychia syndrome; Mutilating keratoderma; Palmoplantar keratoderma-deafness syndrome. Last evaluated: 2022-04-26. Review status: criteria provided, single submitter. Criteria: ACMG Guidelines, 2015. Collection method: research. Allele origin: germline.

Victorian Clinical Genetics Services, Murdoch Childrens Research Institute
Classification: Pathogenic for Autosomal recessive nonsyndromic hearing loss 1A. Last evaluated: 2022-02-02. Review status: criteria provided, single submitter. Criteria: ACMG Guidelines, 2015. Collection method: clinical testing. Allele origin: germline. Inheritance: Autosomal recessive inheritance.
Comment: Based on the classification scheme VCGS_Germline_v1.3.4, this variant is classified as Pathogenic. Following criteria are met: 0102 - Loss of function is a known mechanism of disease in this gene and is associated with autosomal recessive deafness 1A, AR, DD (MIM#220290). Dominant negative is also a suggested mechanism (PMID: 28428247). (I) 0108 - This gene is associated with both recessive and dominant disease. The autosomal dominant diseases are commonly associated with pathogenic missense variants. The autosomal recessive disease is associated with bi-allelic loss-of-function variants and includes missense and protein truncating variants (NIH Genetics Home Reference, PMID: 12792423). (I) 0112 - The condition associated with this gene has incomplete penetrance (PMID:31160754). (I) 0115 - Variants in this gene are known to have variable expressivity. Severity can range from mild to profound with intrafamilial variability also commonly seen. Commonly, truncating variants are associated to a more severe hearing loss (GeneReviews). (I) 0200 - Variant is predicted to result in a missense amino acid change from glycine to valine. (I) 0252 - This variant is homozygous. (I) 0304 - Variant is present in gnomAD <0.01 for a recessive condition (v2: 23 heterozygotes, 0 homozygotes). (SP) 0309 - Multiple alternative amino acid changes at the same position have been observed in gnomAD (v2) (highest allele count: 127 heterozygotes, 1 homozygote). (I) 0501 - Missense variant consistently predicted to be damaging by multiple in silico tools or highly conserved with a major amino acid change. (SP) 0600 - Variant is intramembrane (Uniprot), located in the N-terminal region of the annotated connexin domain (DECIPHER, NCBI). (I) 0801 - This variant has very strong previous evidence of pathogenicity in unrelated individuals. It has been classified multiple times as likely pathogenic and pathogenic for biallelic non-syndromic hearing loss and has been shown to have a loss of function effect (ClinVar, GeneReviews, PMID: 29311818). (SP) 1208 - Inheritance information for this variant is not currently available in this individual. (I) Legend: (SP) - Supporting pathogenic, (I) - Information, (SB) - Supporting benign

Dasa
Classification: Pathogenic for Autosomal recessive nonsyndromic hearing loss 1A. Last evaluated: 2022-01-05. Review status: criteria provided, single submitter. Criteria: ACMG Guidelines, 2015. Collection method: clinical testing. Allele origin: germline. Affected: yes. Observed: 1 variant allele.
Comment: The c.35G>T;p.(Gly12Val) missense variant has been observed in affected individual(s) and ClinVar contains an entry for this variant (ClinVar ID: 21387; PMID: 20301449; 24158611; 19371219; 10982180; 25288386; 17666888) - PS4. Well-established in vitro or in vivo functional studies support a damaging effect on the gene or gene product (PMID: 12176036, 11032405, 25625422) - PS3. The variant is present at low allele frequencies population databases (rs1801002– gnomAD 0.0002662%; ABraOM no frequency) - PM2_supporting. Multiple lines of computational evidence support a deleterious effect on the gene or gene product - PP3. In summary, the currently available evidence indicates that the variant is pathogenic.